The following is an entry in ClinVar:

ClinVar aggregate classification (germline): Uncertain significance (1 of 4 stars; one submission).

Conditions:
Fanconi anemia complementation group J. Also called: BRIP1-Related Fanconi Anemia. Identifiers: Orphanet 84, MedGen C1836860, MONDO:0012187, OMIM 609054.
Familial cancer of breast. Also called: BREAST CANCER, FAMILIAL; Hereditary breast cancer; hereditary breast carcinoma. Identifiers: Orphanet 227535, MedGen C0346153, MONDO:0016419, OMIM 114480. Disease mechanism: loss of function.

Submission:

Labcorp Genetics (formerly Invitae), Labcorp
Classification: Uncertain significance for Familial cancer of breast; Fanconi anemia complementation group J. Last evaluated: 2024-02-23. Review status: criteria provided, single submitter. Criteria: Invitae Variant Classification Sherloc (09022015). Collection method: clinical testing. Allele origin: germline.
Comment: This sequence change replaces glutamine, which is neutral and polar, with leucine, which is neutral and non-polar, at codon 634 of the BRIP1 protein (p.Gln634Leu). This variant is not present in population databases (gnomAD no frequency). This variant has not been reported in the literature in individuals affected with BRIP1-related conditions. Advanced modeling of protein sequence and biophysical properties (such as structural, functional, and spatial information, amino acid conservation, physicochemical variation, residue mobility, and thermodynamic stability) performed at Invitae indicates that this missense variant is expected to disrupt BRIP1 protein function with a positive predictive value of 80%. In summary, the available evidence is currently insufficient to determine the role of this variant in disease. Therefore, it has been classified as a Variant of Uncertain Significance.

NM_032043.3(BRIP1):c.1901A>T (p.Gln634Leu)

Gene: BRIP1 (BRCA1 interacting DNA helicase 1; minus strand). Cytogenetic location: 17q23.2.
Variant type: single nucleotide variant.
Coding change: c.1901A>T on transcript NM_032043.3 (MANE Select); coding-DNA position 1901, A replaced by T.
Protein change: p.Gln634Leu; replaces glutamine 634 with leucine.
Molecular consequence: missense variant.
Genome position (GRCh38, 1-based): chr17:61,780,295, T>A on the plus strand (A>T on the coding strand, the complement: BRIP1 is on the minus strand). VCF-style: chr17-61780295-T-A. GRCh37 (hg19) VCF-style: chr17-59857656-T-A.
Other names: short protein forms Q634L.
Identifiers: ClinVar variation 3754885 (VCV003754885.2).